The following is an entry in ClinVar:

ClinVar aggregate classification (germline): Uncertain significance (1 of 4 stars; one submission).

Conditions:
Blau syndrome (BLAUS). Also called: GRANULOMATOSIS, FAMILIAL JUVENILE SYSTEMIC; GRANULOMATOSIS, FAMILIAL, BLAU TYPE; GRANULOMATOUS INFLAMMATORY ARTHRITIS, DERMATITIS, AND UVEITIS, FAMILIAL; JABS SYNDROME; ARTHROCUTANEOUVEAL GRANULOMATOSIS. Identifiers: Orphanet 90340, MedGen C5201146, MONDO:0008523, OMIM 186580.
Regional enteritis. Also called: Enteritis, Granulomatous. Identifiers: MedGen C0678202, MeSH D003424.

Submission:

Labcorp Genetics (formerly Invitae), Labcorp
Classification: Uncertain significance for Regional enteritis; Blau syndrome. Last evaluated: 2021-09-24. Review status: criteria provided, single submitter. Criteria: Invitae Variant Classification Sherloc (09022015). Collection method: clinical testing. Allele origin: germline.
Comment: This sequence change replaces valine with glycine at codon 358 of the NOD2 protein (p.Val358Gly). The valine residue is moderately conserved and there is a moderate physicochemical difference between valine and glycine. This variant is not present in population databases (ExAC no frequency). This variant has not been reported in the literature in individuals affected with NOD2-related conditions. Advanced modeling of protein sequence and biophysical properties (such as structural, functional, and spatial information, amino acid conservation, physicochemical variation, residue mobility, and thermodynamic stability) performed at Invitae indicates that this missense variant is not expected to disrupt NOD2 protein function. In summary, the available evidence is currently insufficient to determine the role of this variant in disease. Therefore, it has been classified as a Variant of Uncertain Significance.

NM_001370466.1(NOD2):c.992T>G (p.Val331Gly)

Gene: NOD2 (nucleotide binding oligomerization domain containing 2; plus strand). Cytogenetic location: 16q12.1.
Variant type: single nucleotide variant.
Coding change: c.992T>G on transcript NM_001370466.1 (MANE Select); coding-DNA position 992, T replaced by G.
Protein change: p.Val331Gly; replaces valine 331 with glycine.
Molecular consequence: missense variant. On other transcripts: non-coding transcript variant (1).
Genome position (GRCh38, 1-based): chr16:50,710,984, T>G. VCF-style: chr16-50710984-T-G. GRCh37 (hg19) VCF-style: chr16-50744895-T-G.
Other names: c.992T>G, p.Val331Gly (NM_001293557.2); c.1073T>G, p.Val358Gly (NM_022162.3); short protein forms V331G, V358G.
Identifiers: ClinVar variation 1396175 (VCV001396175.6), dbSNP rs2150808820, ClinGen allele CA395868166.